The following is an entry in ClinVar:

ClinVar aggregate classification (germline): Uncertain significance (1 of 4 stars; one submission).

Allele frequency attached by ClinVar (database versions not stated): gnomAD exomes below 0.00001.
gnomAD v4.1: 1 of 1,614,142 alleles (0.000062%); highest among the groups gnomAD compares: Non-Finnish European, 0.000085%; no homozygotes.

Submission:

Labcorp Genetics (formerly Invitae), Labcorp
Classification: Uncertain significance. Last evaluated: 2023-08-04. Review status: criteria provided, single submitter. Criteria: Invitae Variant Classification Sherloc (09022015). Collection method: clinical testing. Allele origin: germline.
Comment: In summary, the available evidence is currently insufficient to determine the role of this variant in disease. Therefore, it has been classified as a Variant of Uncertain Significance. Advanced modeling of protein sequence and biophysical properties (such as structural, functional, and spatial information, amino acid conservation, physicochemical variation, residue mobility, and thermodynamic stability) performed at Invitae indicates that this missense variant is not expected to disrupt DUOX2 protein function. This variant has not been reported in the literature in individuals affected with DUOX2-related conditions. This variant is not present in population databases (gnomAD no frequency). This sequence change replaces tyrosine, which is neutral and polar, with cysteine, which is neutral and slightly polar, at codon 621 of the DUOX2 protein (p.Tyr621Cys).

NM_001363711.2(DUOX2):c.1862A>G (p.Tyr621Cys)

Gene: DUOX2 (dual oxidase 2; minus strand). Cytogenetic location: 15q21.1.
Variant type: single nucleotide variant.
Coding change: c.1862A>G on transcript NM_001363711.2 (MANE Select); coding-DNA position 1862, A replaced by G.
Protein change: p.Tyr621Cys; replaces tyrosine 621 with cysteine.
Molecular consequence: missense variant.
Genome position (GRCh38, 1-based): chr15:45,106,611, T>C on the plus strand (A>G on the coding strand, the complement: DUOX2 is on the minus strand). VCF-style: chr15-45106611-T-C. GRCh37 (hg19) VCF-style: chr15-45398809-T-C.
Other names: c.1862A>G, p.Tyr621Cys (NM_014080.5); short protein forms Y621C.
Identifiers: ClinVar variation 2762042 (VCV002762042.3), dbSNP rs2504767824, ClinGen allele CA392274034.